The following is an entry in ClinVar:

ClinVar aggregate classification (germline): Benign/Likely benign. Review status: criteria provided, multiple submitters, no conflicts (2 of 4 stars). 3 submissions from 3 submitters: Benign (1); Likely benign (2). Last evaluated 2025-03-13.

Conditions:
Hereditary cancer-predisposing syndrome. Also called: Neoplastic Syndromes, Hereditary; Tumor predisposition; Hereditary Cancer Syndrome; Hereditary neoplastic syndrome. Identifiers: Orphanet 140162, MedGen C0027672, MeSH D009386, MONDO:0015356.
Pheochromocytoma/paraganglioma syndrome 4. Also called: CAROTID BODY TUMORS AND MULTIPLE EXTRAADRENAL PHEOCHROMOCYTOMAS; PARAGANGLIOMA, FAMILIAL MALIGNANT; PARAGANGLIOMAS, HEREDITARY EXTRAADRENAL; PHEOCHROMOCYTOMA, FAMILIAL EXTRAADRENAL; Paragangliomas 4; SDHB-Related Hereditary Paraganglioma-Pheochromocytoma Syndrome (Paragangliomas 4). Identifiers: Orphanet 29072, MedGen C1861848, MONDO:0007273, OMIM 115310.
Pheochromocytoma. Also called: MAX-Related Hereditary Paraganglioma-Pheochromocytoma Syndrome. Identifiers: Orphanet 29072, MedGen C0031511, MONDO:0008233, OMIM 171300, HP:0002666.
Gastrointestinal stromal tumor. Also called: Gastrointestinal stromal tumor, somatic; Gastrointestinal stroma tumor. Identifiers: Orphanet 44890, MedGen C0238198, MeSH D046152, MONDO:0011719, OMIM 606764, HP:0100723.

Allele frequency attached by ClinVar (database versions not stated): ExAC 0.00001; gnomAD 0.00001; TOPMed 0.00001; ESP Exome Variant Server 0.00008.
gnomAD v4.1: 1 of 1,613,900 alleles (0.000062%); highest among the groups gnomAD compares: African/African-American, 0.0013%; no homozygotes.

Submissions (3):

Myriad Genetics, Inc.
Classification: Benign for Pheochromocytoma/paraganglioma syndrome 4. Last evaluated: 2025-03-13. Review status: criteria provided, single submitter. Criteria: Myriad Autosomal Dominant, Autosomal Recessive and X-Linked Classification Criteria (2023). Collection method: clinical testing. Allele origin: unknown.
Comment: This variant is considered benign. This variant is a silent/synonymous amino acid change and it is not expected to impact splicing.

Labcorp Genetics (formerly Invitae), Labcorp
Classification: Likely benign for Gastrointestinal stromal tumor; Pheochromocytoma/paraganglioma syndrome 4; Pheochromocytoma. Last evaluated: 2022-06-23. Review status: criteria provided, single submitter. Criteria: Invitae Variant Classification Sherloc (09022015). Collection method: clinical testing. Allele origin: germline.

Ambry Genetics
Classification: Likely benign for Hereditary cancer-predisposing syndrome. Last evaluated: 2022-06-03. Review status: criteria provided, single submitter. Criteria: Ambry Variant Classification Scheme 2023. Collection method: clinical testing. Allele origin: germline.

NM_003000.3(SDHB):c.702G>A (p.Leu234=)

Gene: SDHB (succinate dehydrogenase complex iron sulfur subunit B; minus strand). Cytogenetic location: 1p36.13.
Variant type: single nucleotide variant.
Coding change: c.702G>A on transcript NM_003000.3 (MANE Select); coding-DNA position 702, G replaced by A.
Protein change: p.Leu234=; no amino-acid change (leucine 234 retained).
Molecular consequence: synonymous variant.
Genome position (GRCh38, 1-based): chr1:17,022,671, C>T on the plus strand (G>A on the coding strand, the complement: SDHB is on the minus strand). VCF-style: chr1-17022671-C-T. GRCh37 (hg19) VCF-style: chr1-17349166-C-T.
Other names: c.648G>A, p.Leu216= (NM_001407361.1).
Identifiers: ClinVar variation 1756775 (VCV001756775.8), dbSNP rs370397369, ClinGen allele CA089713.